The following is an entry in ClinVar:

NM_000170.3(GLDC):c.20C>T (p.Ala7Val)

Gene: GLDC (glycine decarboxylase; minus strand). Cytogenetic location: 9p24.1.
Variant type: single nucleotide variant.
Coding change: c.20C>T on transcript NM_000170.3 (MANE Select); coding-DNA position 20, C replaced by T.
Protein change: p.Ala7Val; replaces alanine 7 with valine.
Molecular consequence: missense variant.
Genome position (GRCh38, 1-based): chr9:6,645,480, G>A on the plus strand (C>T on the coding strand, the complement: GLDC is on the minus strand). VCF-style: chr9-6645480-G-A. GRCh37 (hg19) VCF-style: chr9-6645480-G-A.
Other names: short protein forms A7V.
Identifiers: ClinVar variation 846074 (VCV000846074.11), dbSNP rs1420734296, ClinGen allele CA372887586.

ClinVar aggregate classification (germline): Uncertain significance. Review status: criteria provided, multiple submitters, no conflicts (2 of 4 stars). 2 submissions from 2 submitters: Uncertain significance (2). Last evaluated 2026-04-13.

Conditions:
Inborn genetic diseases. Identifiers: MedGen C0950123, MeSH D030342.
Glycine encephalopathy. Also called: Nonketotic hyperglycinemia; Non-ketotic hyperglycinemia. Identifiers: Orphanet 407, MedGen C0751748, MONDO:0011612, HP:0008288.

Allele frequency attached by ClinVar (database versions not stated): gnomAD below 0.00001 and 0.00001.

Submissions (2):

Ambry Genetics
Classification: Uncertain significance for Inborn genetic diseases. Last evaluated: 2026-04-13. Review status: criteria provided, single submitter. Criteria: Ambry Variant Classification Scheme 2023. Collection method: clinical testing. Allele origin: germline.
Comment: The c.20C>T (p.A7V) alteration is located in exon 1 (coding exon 1) of the GLDC gene. This alteration results from a C to T substitution at nucleotide position 20, causing the alanine (A) at amino acid position 7 to be replaced by a valine (V). Based on data from gnomAD, the T allele has an overall frequency of <0.001% (0/22610) total alleles studied. The highest observed frequency was <0.001% (/) of alleles. Based on insufficient or conflicting evidence, the clinical significance of this alteration remains unclear.

Labcorp Genetics (formerly Invitae), Labcorp
Classification: Uncertain significance for Glycine encephalopathy. Last evaluated: 2019-04-03. Review status: criteria provided, single submitter. Criteria: Invitae Variant Classification Sherloc (09022015). Collection method: clinical testing. Allele origin: germline.
Comment: Algorithms developed to predict the effect of missense changes on protein structure and function output the following: SIFT: "Tolerated"; PolyPhen-2: "Possibly Damaging"; Align-GVGD: "Class C0". The valine amino acid residue is found in multiple mammalian species, suggesting that this missense change does not adversely affect protein function. These predictions have not been confirmed by published functional studies and their clinical significance is uncertain. Algorithms developed to predict the effect of sequence changes on RNA splicing suggest that this variant may create or strengthen a splice site, but this prediction has not been confirmed by published transcriptional studies. In summary, the available evidence is currently insufficient to determine the role of this variant in disease. Therefore, it has been classified as a Variant of Uncertain Significance. This sequence change replaces alanine with valine at codon 7 of the GLDC protein (p.Ala7Val). The alanine residue is weakly conserved and there is a small physicochemical difference between alanine and valine. The frequency data for this variant in the population databases is considered unreliable, as metrics indicate insufficient coverage at this position in the ExAC database. This variant has not been reported in the literature in individuals with GLDC-related conditions.